The following is an entry in ClinVar:

NM_014423.4(AFF4):c.1387G>C (p.Glu463Gln)

Gene: AFF4 (ALF transcription elongation factor 4; minus strand). Cytogenetic location: 5q31.1.
Variant type: single nucleotide variant.
Coding change: c.1387G>C on transcript NM_014423.4 (MANE Select); coding-DNA position 1387, G replaced by C.
Protein change: p.Glu463Gln; replaces glutamic acid 463 with glutamine.
Molecular consequence: missense variant.
Genome position (GRCh38, 1-based): chr5:132,898,232, C>G on the plus strand (G>C on the coding strand, the complement: AFF4 is on the minus strand). VCF-style: chr5-132898232-C-G. GRCh37 (hg19) VCF-style: chr5-132233924-C-G.
Other names: short protein forms E463Q.
Identifiers: ClinVar variation 4993143 (VCV004993143.1).

ClinVar aggregate classification (germline): Uncertain significance (1 of 4 stars; one submission).

Conditions:
AFF4-related disorder. Also called: AFF4-related condition.

Submission:

PreventionGenetics, part of Exact Sciences
Classification: Uncertain significance for AFF4-related condition. Last evaluated: 2026-08-01. Review status: criteria provided, single submitter. Criteria: ACMG Guidelines, 2015. Collection method: clinical testing. Allele origin: germline.
Comment: The AFF4 c.1387G>C variant is predicted to result in the amino acid substitution p.Glu463Gln. To our knowledge, this variant has not been reported in the literature. This variant is reported in 0.00088% of alleles in individuals of European (Non-Finnish) descent in gnomAD. At this time, the clinical significance of this variant is uncertain due to the absence of conclusive functional and genetic evidence.